The following is an entry in ClinVar:

NM_000264.5(PTCH1):c.263T>A (p.Phe88Tyr)

Gene: PTCH1 (patched 1; minus strand). Cytogenetic location: 9q22.32.
Variant type: single nucleotide variant.
Coding change: c.263T>A on transcript NM_000264.5 (MANE Select); coding-DNA position 263, T replaced by A.
Protein change: p.Phe88Tyr; replaces phenylalanine 88 with tyrosine.
Molecular consequence: missense variant. On other transcripts: 5 prime UTR variant (4), non-coding transcript variant (1).
Genome position (GRCh38, 1-based): chr9:95,506,538, A>T on the plus strand (T>A on the coding strand, the complement: PTCH1 is on the minus strand). VCF-style: chr9-95506538-A-T. GRCh37 (hg19) VCF-style: chr9-98268820-A-T.
Other names: c.65T>A, p.Phe22Tyr (NM_001083602.3, NM_001354919.2); c.260T>A, p.Phe87Tyr (NM_001083603.3); c.-191T>A (NM_001083604.3, NM_001083605.3, NM_001083606.3 and 1 more transcripts); c.263T>A, p.Phe88Tyr (NM_001354918.2); short protein forms F88Y, F22Y, F87Y.
Identifiers: ClinVar variation 2626215 (VCV002626215.2), dbSNP rs2118879426, ClinGen allele CA374120468.

ClinVar aggregate classification (germline): Uncertain significance (1 of 4 stars; one submission).

Conditions:
Hereditary cancer-predisposing syndrome. Also called: Tumor predisposition; Hereditary Cancer Syndrome; Hereditary neoplastic syndrome; Neoplastic Syndromes, Hereditary. Identifiers: Orphanet 140162, MedGen C0027672, MeSH D009386, MONDO:0015356.

Submission:

Ambry Genetics
Classification: Uncertain significance for Hereditary cancer-predisposing syndrome. Last evaluated: 2023-06-24. Review status: criteria provided, single submitter. Criteria: Ambry Variant Classification Scheme 2023. Collection method: clinical testing. Allele origin: germline.
Comment: The p.F88Y variant (also known as c.263T>A), located in coding exon 2 of the PTCH1 gene, results from a T to A substitution at nucleotide position 263. The phenylalanine at codon 88 is replaced by tyrosine, an amino acid with highly similar properties. This amino acid position is conserved. In addition, this alteration is predicted to be deleterious by in silico analysis. Since supporting evidence is limited at this time, the clinical significance of this alteration remains unclear.